The following is an entry in ClinVar:

NM_014956.5(CEP164):c.368A>G (p.Asp123Gly)

Gene: CEP164 (centrosomal protein 164; plus strand). Cytogenetic location: 11q23.3.
Variant type: single nucleotide variant.
Coding change: c.368A>G on transcript NM_014956.5 (MANE Select); coding-DNA position 368, A replaced by G.
Protein change: p.Asp123Gly; replaces aspartic acid 123 with glycine.
Molecular consequence: missense variant.
Genome position (GRCh38, 1-based): chr11:117,351,963, A>G. VCF-style: chr11-117351963-A-G. GRCh37 (hg19) VCF-style: chr11-117222679-A-G.
Other names: c.368A>G, p.Asp123Gly (NM_001271933.2); short protein forms D123G.
Identifiers: ClinVar variation 1502183 (VCV001502183.8), dbSNP rs2135446465, ClinGen allele CA382726225.
Genomic context (GRCh38, chr11:117,351,963, plus strand): 5'-TGTCAACTTCTGGGGCCATTAAGAAGAAGAAAAAAAAAAAGGAAAAGAAAGACAAGAAGG[A>G]CAGAGACCCCCCCAAAAGTTCGCTGGTGAGTCAGTGGATGCCTCCTCCCAGAGAGGCCAG-3'
Protein context (NP_055771.4, residues 113-133): KKKKEKKDKK[Asp123Gly]RDPPKSSLAL

ClinVar aggregate classification (germline): Uncertain significance (1 of 4 stars; one submission).

Conditions:
Nephronophthisis 15 (NPHP15). Identifiers: Orphanet 3156, MedGen C3541853, MONDO:0013917, OMIM 614845.

Submission:

Labcorp Genetics (formerly Invitae), Labcorp
Classification: Uncertain significance for Nephronophthisis 15. Last evaluated: 2022-02-25. Review status: criteria provided, single submitter. Criteria: Invitae Variant Classification Sherloc (09022015). Collection method: clinical testing. Allele origin: germline.
Comment: This sequence change replaces aspartic acid, which is acidic and polar, with glycine, which is neutral and non-polar, at codon 123 of the CEP164 protein (p.Asp123Gly). This variant is not present in population databases (gnomAD no frequency). This variant has not been reported in the literature in individuals affected with CEP164-related conditions. Algorithms developed to predict the effect of missense changes on protein structure and function output the following: SIFT: "Deleterious"; PolyPhen-2: "Benign"; Align-GVGD: "Class C0". The glycine amino acid residue is found in multiple mammalian species, which suggests that this missense change does not adversely affect protein function. In summary, the available evidence is currently insufficient to determine the role of this variant in disease. Therefore, it has been classified as a Variant of Uncertain Significance.